The following is an entry in ClinVar:

NM_000059.4(BRCA2):c.3392G>A (p.Arg1131Lys)

Gene: BRCA2 (BRCA2 DNA repair associated; plus strand). Cytogenetic location: 13q13.1.
Variant type: single nucleotide variant.
Coding change: c.3392G>A on transcript NM_000059.4 (MANE Select); coding-DNA position 3392, G replaced by A.
Protein change: p.Arg1131Lys; replaces arginine 1131 with lysine.
Molecular consequence: missense variant.
Genome position (GRCh38, 1-based): chr13:32,337,747, G>A. VCF-style: chr13-32337747-G-A. GRCh37 (hg19) VCF-style: chr13-32911884-G-A.
Other names: short protein forms R1131K.
Identifiers: ClinVar variation 493131 (VCV000493131.52), dbSNP rs1555283214, ClinGen allele CA387776453.
Genomic context (GRCh38, chr13:32,337,747, plus strand): 5'-TTACAGAACTTTCTACTATATTAGAAGAATCAGGAAGTCAGTTTGAATTTACTCAGTTTA[G>A]AAAACCAAGCTACATATTGCAGAAGAGTACATTTGAAGTGCCTGAAAACCAGATGACTAT-3'
Protein context (NP_000050.3, residues 1121-1141): SGSQFEFTQF[Arg1131Lys]KPSYILQKST

ClinVar aggregate classification (germline): Conflicting classifications of pathogenicity. Review status: criteria provided, conflicting classifications (1 of 4 stars). 5 submissions from 5 submitters: Uncertain significance (2); Likely benign (2). 1 of the submissions does not count toward it. Last evaluated 2025-03-04.

Conditions:
Hereditary cancer-predisposing syndrome. Also called: Hereditary neoplastic syndrome; Neoplastic Syndromes, Hereditary; Hereditary Cancer Syndrome; Tumor predisposition. Identifiers: Orphanet 140162, MedGen C0027672, MeSH D009386, MONDO:0015356.

Submissions (5):

Ambry Genetics
Classification: Likely benign for Hereditary cancer-predisposing syndrome. Last evaluated: 2025-03-04. Review status: criteria provided, single submitter. Criteria: Ambry Variant Classification Scheme 2023. Collection method: clinical testing. Allele origin: germline.

Color Diagnostics, LLC DBA Color Health
Classification: Uncertain significance for Hereditary cancer-predisposing syndrome. Last evaluated: 2023-08-16. Review status: criteria provided, single submitter. Criteria: ACMG Guidelines, 2015. Collection method: clinical testing. Allele origin: germline.
Comment: This missense variant replaces arginine with lysine at codon 1131 of the BRCA2 protein. Computational prediction suggests that this variant may not impact protein structure and function (internally defined REVEL score threshold <= 0.5, PMID: 27666373). To our knowledge, functional studies have not been reported for this variant. This variant has not been reported in individuals affected with hereditary cancer in the literature. This variant has not been identified in the general population by the Genome Aggregation Database (gnomAD). The available evidence is insufficient to determine the role of this variant in disease conclusively. Therefore, this variant is classified as a Variant of Uncertain Significance.

University of Washington Department of Laboratory Medicine, University of Washington
Classification: Likely benign for Hereditary cancer-predisposing syndrome. Last evaluated: 2023-03-23. Review status: criteria provided, single submitter. Criteria: Dines et al. (Genet Med. 2020). Collection method: curation. Allele origin: germline.
Comment: Missense variant in a coldspot region where missense variants are very unlikely to be pathogenic (PMID:31911673).

BRCA2 exon 11 coldspot. Reclassification based on statistical prior probability.

CeGaT Center for Human Genetics Tuebingen
Classification: Uncertain significance. Last evaluated: 2017-07-01. Review status: criteria provided, single submitter. Criteria: CeGaT Center For Human Genetics Tuebingen Variant Classification Criteria Version 2. Collection method: clinical testing. Allele origin: germline. Affected: yes. Observed: 1 variant allele.

True Health Diagnostics
Classification: Likely benign for Hereditary cancer-predisposing syndrome. Last evaluated: 2018-05-29. Review status: no assertion criteria provided. Collection method: clinical testing. Allele origin: germline. Not counted in ClinVar's aggregate classification.